The following is an entry in ClinVar:

NM_005476.7(GNE):c.950dup (p.Asn317fs)

Gene: GNE (glucosamine (UDP-N-acetyl)-2-epimerase/N-acetylmannosamine kinase; minus strand). Cytogenetic location: 9p13.3.
Variant type: Duplication.
Coding change: c.950dup on transcript NM_005476.7 (MANE Select); coding-DNA position 950, one base duplicated (A; older notation c.950dupA).
Protein change: p.Asn317fs; shifts the reading frame from asparagine 317.
Molecular consequence: frameshift variant.
Genome position (GRCh38, 1-based): chr9:36,233,952, T duplicated on the plus strand (A on the coding strand, the reverse complement: GNE is on the minus strand); the first of 2 consecutive T bases (chr9:36,233,952-36,233,953); duplicating either gives the same sequence. VCF-style (leftmost placement, unchanged base first): chr9-36233951-G-GT. GRCh37 (hg19) VCF-style: chr9-36233948-G-GT.
Other names: c.1043dup, p.Asn348fs (NM_001128227.3); c.950dup, p.Asn317fs (NM_001190383.3); c.620dup, p.Asn207fs (NM_001190384.3); c.773dup, p.Asn258fs (NM_001190388.2, NM_001374798.1); c.797dup, p.Asn266fs (NM_001374797.1); short protein forms N207fs, N258fs, N266fs, N317fs, N348fs.
Identifiers: ClinVar variation 5015163 (VCV005015163.1).

ClinVar aggregate classification (germline): Pathogenic (1 of 4 stars; one submission).

Conditions:
GNE myopathy (NM). Also called: NONAKA DISTAL MYOPATHY; INCLUSION BODY MYOPATHY, HEREDITARY, AUTOSOMAL RECESSIVE; INCLUSION BODY MYOPATHY 2, AUTOSOMAL RECESSIVE; MYOPATHY, DISTAL, WITH OR WITHOUT RIMMED VACUOLES; IBM 2; Inclusion body myopathy autosomal recessive. Identifiers: Orphanet 602, MedGen C1853926, MONDO:0011603, OMIM 605820.

Submission:

Myriad Genetics, Inc.
Classification: Pathogenic for GNE myopathy. Last evaluated: 2025-11-03. Review status: criteria provided, single submitter. Criteria: Myriad Autosomal Dominant, Autosomal Recessive and X-Linked Classification Criteria (2023). Collection method: clinical testing. Allele origin: unknown.
Comment: NM_001128227.2(GNE):c.1043dupA(N348Kfs*22) is expected to be pathogenic in the context of GNE myopathy. This variant is predicted to lead to an abnormal or absent protein product due to the creation of a premature termination codon in GNE, a gene where loss-of-function variants are known to be pathogenic. Please note: this variant was assessed in the context of healthy population screening.